The following is an entry in ClinVar:

NM_022458.4(LMBR1):c.424-1G>C

Gene: LMBR1 (limb development membrane protein 1; minus strand). Cytogenetic location: 7q36.3.
Variant type: single nucleotide variant.
Coding change: c.424-1G>C on transcript NM_022458.4 (MANE Select); the canonical splice acceptor site of the intron before coding-DNA position 424, G replaced by C.
Molecular consequence: splice acceptor variant.
Genome position (GRCh38, 1-based): chr7:156,763,796, C>G on the plus strand (G>C on the coding strand, the complement: LMBR1 is on the minus strand). VCF-style: chr7-156763796-C-G. GRCh37 (hg19) VCF-style: chr7-156556490-C-G.
Other names: c.361-1G>C (NM_001363412.2); c.145-1G>C (NM_001350954.2); c.424-1G>C (NM_001363410.2, NM_001363409.2, NM_001350953.2); c.-33-1G>C (NM_001350958.2, NM_001350956.2, NM_001350955.2 and 1 more transcripts); c.55-1G>C (NM_001350957.2, NM_001363411.2).
Identifiers: ClinVar variation 4845717 (VCV004845717.1).

ClinVar aggregate classification (germline): Likely pathogenic (1 of 4 stars; one submission).

Conditions:
Acheiropodia (ACHP). Also called: ACHEIROPODY, BRAZILIAN TYPE; Acheiropody. Identifiers: Orphanet 931, MedGen C0265559, MONDO:0008700, OMIM 200500.

Submission:

First Genomix Gene Laboratory, Genetic Diagnostics Department
Classification: Likely pathogenic for Acheiropodia. Last evaluated: 2025-01-28. Review status: criteria provided, single submitter. Criteria: ACMG Guidelines, 2015. Collection method: clinical testing. Allele origin: germline. Inheritance: Autosomal recessive inheritance. Affected: no. Observed: 1 variant allele.